The following is an entry in ClinVar:

ClinVar aggregate classification (germline): Uncertain significance. Review status: criteria provided, multiple submitters, no conflicts (2 of 4 stars). 2 submissions from 2 submitters: Uncertain significance (2). Last evaluated 2024-09-18.

Conditions:
Hereditary pancreatitis (PCTT). Also called: Hereditary chronic pancreatitis; PRSS1-Related Hereditary Pancreatitis. Identifiers: Orphanet 676, MedGen C0238339, MONDO:0008185, OMIM 167800.

Allele frequency attached by ClinVar (database versions not stated): gnomAD exomes below 0.00001; gnomAD 0.00005; TOPMed 0.00006; ESP Exome Variant Server 0.00008.
gnomAD v4.1: 13 of 1,612,740 alleles (0.00081%); highest among the groups gnomAD compares: African/African-American, 0.015%; no homozygotes.

Submissions (2):

Ambry Genetics
Classification: Uncertain significance for Hereditary pancreatitis. Last evaluated: 2024-09-18. Review status: criteria provided, single submitter. Criteria: Ambry Variant Classification Scheme 2023. Collection method: clinical testing. Allele origin: germline.
Comment: The p.S149R variant (also known as c.447C>A), located in coding exon 3 of the PRSS1 gene, results from a C to A substitution at nucleotide position 447. The serine at codon 149 is replaced by arginine, an amino acid with dissimilar properties. This amino acid position is well conserved in available vertebrate species. In addition, the in silico prediction for this alteration is inconclusive. Since supporting evidence is limited at this time, the clinical significance of this alteration remains unclear.

Labcorp Genetics (formerly Invitae), Labcorp
Classification: Uncertain significance for Hereditary pancreatitis. Last evaluated: 2022-04-14. Review status: criteria provided, single submitter. Criteria: Invitae Variant Classification Sherloc (09022015). Collection method: clinical testing. Allele origin: germline.
Comment: In summary, the available evidence is currently insufficient to determine the role of this variant in disease. Therefore, it has been classified as a Variant of Uncertain Significance. Algorithms developed to predict the effect of missense changes on protein structure and function are either unavailable or do not agree on the potential impact of this missense change (SIFT: "Deleterious"; PolyPhen-2: "Benign"; Align-GVGD: "Class C0"). ClinVar contains an entry for this variant (Variation ID: 824920). This variant has not been reported in the literature in individuals affected with PRSS1-related conditions. The frequency data for this variant in the population databases is considered unreliable, as metrics indicate poor data quality at this position in the gnomAD database. This sequence change replaces serine, which is neutral and polar, with arginine, which is basic and polar, at codon 149 of the PRSS1 protein (p.Ser149Arg).

NM_002769.5(PRSS1):c.447C>A (p.Ser149Arg)

Genes: PRSS1 (serine protease 1; plus strand), TRB (T cell receptor beta locus; plus strand). Cytogenetic location: 7q34.
Variant type: single nucleotide variant.
Coding change: c.447C>A on transcript NM_002769.5 (MANE Select); coding-DNA position 447, C replaced by A.
Protein change: p.Ser149Arg; replaces serine 149 with arginine.
Molecular consequence: missense variant.
Genome position (GRCh38, 1-based): chr7:142,752,020, C>A. VCF-style: chr7-142752020-C-A. GRCh37 (hg19) VCF-style: chr7-142459871-C-A.
Other names: short protein forms S149R.
Identifiers: ClinVar variation 824920 (VCV000824920.10), dbSNP rs372698855, ClinGen allele CA4529974.